The following is an entry in ClinVar:

ClinVar aggregate classification (germline): Likely benign. Review status: criteria provided, multiple submitters, no conflicts (2 of 4 stars). 5 submissions from 5 submitters: Likely benign (5). Last evaluated 2025-12-03.

Conditions:
Cardiomyopathy (CMYO). Also called: Cardiomyopathies. Identifiers: Orphanet 167848, MedGen C0878544, MONDO:0004994, HP:0001638. Inheritance: Various modes of inheritance.
Cardiovascular phenotype. Identifiers: MedGen CN230736.
Hypertrophic cardiomyopathy. Also called: HYPERTROPHIC MYOCARDIOPATHY. Identifiers: Orphanet 217569, MedGen C0007194, MeSH D002312, MONDO:0005045, HP:0001639.

Allele frequency attached by ClinVar (database versions not stated): TOPMed 0.00001; ExAC 0.00004; ESP Exome Variant Server 0.00008; gnomAD 0.00002; gnomAD exomes below 0.00001.
gnomAD v4.1: 5 of 1,562,702 alleles (0.00032%); highest among the groups gnomAD compares: Non-Finnish European, 0.00043%; no homozygotes.

Submissions (5):

Labcorp Genetics (formerly Invitae), Labcorp
Classification: Likely benign for Hypertrophic cardiomyopathy. Last evaluated: 2025-12-03. Review status: criteria provided, single submitter. Criteria: Invitae Variant Classification Sherloc (09022015). Collection method: clinical testing. Allele origin: germline.

Ambry Genetics
Classification: Likely benign for Cardiovascular phenotype. Last evaluated: 2024-03-29. Review status: criteria provided, single submitter. Criteria: Ambry Variant Classification Scheme 2023. Collection method: clinical testing. Allele origin: germline.

All of Us Research Program, National Institutes of Health
Classification: Likely benign for Hypertrophic cardiomyopathy. Last evaluated: 2023-12-01. Review status: criteria provided, single submitter. Criteria: ACMG Guidelines, 2015. Collection method: clinical testing. Allele origin: germline. Inheritance: Autosomal dominant inheritance. Observed: 2 variant alleles, 2 heterozygotes.
Comment: This study involves interpretation of variants in research participants for the purpose of population health screening. Participant phenotype was not available at the time of variant classification. Additional details can be found in publication PMID: 35346344, PMCID: PMC8962531

Color Diagnostics, LLC DBA Color Health
Classification: Likely benign for Cardiomyopathy. Last evaluated: 2021-05-07. Review status: criteria provided, single submitter. Criteria: ACMG Guidelines, 2015. Collection method: clinical testing. Allele origin: germline.

GeneDx
Classification: Likely benign. Last evaluated: 2018-09-20. Review status: criteria provided, single submitter. Criteria: GeneDx Variant Classification Process June 2021. Collection method: clinical testing. Allele origin: germline. Affected: yes.

NM_000256.3(MYBPC3):c.483A>G (p.Pro161=)

Gene: MYBPC3 (myosin binding protein C3; minus strand). Cytogenetic location: 11p11.2.
Variant type: single nucleotide variant.
Coding change: c.483A>G on transcript NM_000256.3 (MANE Select); coding-DNA position 483, A replaced by G.
Protein change: p.Pro161=; no amino-acid change (proline 161 retained).
Molecular consequence: synonymous variant.
Genome position (GRCh38, 1-based): chr11:47,350,036, T>C on the plus strand (A>G on the coding strand, the complement: MYBPC3 is on the minus strand). VCF-style: chr11-47350036-T-C. GRCh37 (hg19) VCF-style: chr11-47371587-T-C.
Identifiers: ClinVar variation 1276036 (VCV001276036.7), dbSNP rs373133807, ClinGen allele CA055539.